The following is an entry in ClinVar:

NM_001003841.3(SLC6A19):c.1045G>A (p.Asp349Asn)

Gene: SLC6A19 (solute carrier family 6 member 19; plus strand). Cytogenetic location: 5p15.33.
Variant type: single nucleotide variant.
Coding change: c.1045G>A on transcript NM_001003841.3 (MANE Select); coding-DNA position 1045, G replaced by A.
Protein change: p.Asp349Asn; replaces aspartic acid 349 with asparagine.
Molecular consequence: missense variant.
Genome position (GRCh38, 1-based): chr5:1,216,817, G>A. VCF-style: chr5-1216817-G-A. GRCh37 (hg19) VCF-style: chr5-1216932-G-A.
Other names: short protein forms D349N.
Identifiers: ClinVar variation 2198230 (VCV002198230.1), dbSNP rs1746223639, ClinGen allele CA359071053.

ClinVar aggregate classification (germline): Uncertain significance (1 of 4 stars; one submission).

Allele frequency attached by ClinVar (database versions not stated): TOPMed below 0.00001.
gnomAD v4.1: 8 of 1,613,770 alleles (0.0005%); highest among the groups gnomAD compares: East Asian, 0.0022%; no homozygotes.

Submission:

Labcorp Genetics (formerly Invitae), Labcorp
Classification: Uncertain significance. Last evaluated: 2022-10-24. Review status: criteria provided, single submitter. Criteria: Invitae Variant Classification Sherloc (09022015). Collection method: clinical testing. Allele origin: germline.
Comment: This sequence change replaces aspartic acid, which is acidic and polar, with asparagine, which is neutral and polar, at codon 349 of the SLC6A19 protein (p.Asp349Asn). This variant is not present in population databases (gnomAD no frequency). This variant has not been reported in the literature in individuals affected with SLC6A19-related conditions. Advanced modeling of protein sequence and biophysical properties (such as structural, functional, and spatial information, amino acid conservation, physicochemical variation, residue mobility, and thermodynamic stability) performed at Invitae indicates that this missense variant is not expected to disrupt SLC6A19 protein function. In summary, the available evidence is currently insufficient to determine the role of this variant in disease. Therefore, it has been classified as a Variant of Uncertain Significance.